The following is an entry in ClinVar:

NM_001044385.3(TMEM237):c.505C>T (p.Pro169Ser)

Gene: TMEM237 (transmembrane protein 237; minus strand). Cytogenetic location: 2q33.1.
Variant type: single nucleotide variant.
Coding change: c.505C>T on transcript NM_001044385.3 (MANE Select); coding-DNA position 505, C replaced by T.
Protein change: p.Pro169Ser; replaces proline 169 with serine.
Molecular consequence: missense variant.
Genome position (GRCh38, 1-based): chr2:201,632,099, G>A on the plus strand (C>T on the coding strand, the complement: TMEM237 is on the minus strand). VCF-style: chr2-201632099-G-A. GRCh37 (hg19) VCF-style: chr2-202496822-G-A.
Other names: c.481C>T, p.Pro161Ser (NM_152388.4); short protein forms P161S, P169S.
Identifiers: ClinVar variation 1355126 (VCV001355126.8), dbSNP rs772074875, ClinGen allele CA2056468.

ClinVar aggregate classification (germline): Uncertain significance (1 of 4 stars; one submission).

Conditions:
Joubert syndrome 14 (JBTS14). Identifiers: MedGen C3280766, MONDO:0013745, OMIM 614424.

gnomAD v4.1: 1 of 1,613,922 alleles (0.000062%); highest among the groups gnomAD compares: Admixed American, 0.0017%; no homozygotes.

Submission:

Labcorp Genetics (formerly Invitae), Labcorp
Classification: Uncertain significance for Joubert syndrome 14. Last evaluated: 2021-03-28. Review status: criteria provided, single submitter. Criteria: Invitae Variant Classification Sherloc (09022015). Collection method: clinical testing. Allele origin: germline.
Comment: In summary, the available evidence is currently insufficient to determine the role of this variant in disease. Therefore, it has been classified as a Variant of Uncertain Significance. Algorithms developed to predict the effect of missense changes on protein structure and function are either unavailable or do not agree on the potential impact of this missense change (SIFT: "Tolerated"; PolyPhen-2: "Possibly Damaging"; Align-GVGD: "Class C0"). This variant has not been reported in the literature in individuals with TMEM237-related conditions. This variant is present in population databases (rs772074875, ExAC 0.009%). This sequence change replaces proline with serine at codon 169 of the TMEM237 protein (p.Pro169Ser). The proline residue is highly conserved and there is a moderate physicochemical difference between proline and serine.